The following is an entry in ClinVar:

NM_001244008.2(KIF1A):c.337A>G (p.Lys113Glu)

Gene: KIF1A (kinesin family member 1A; minus strand). Cytogenetic location: 2q37.3.
Variant type: single nucleotide variant.
Coding change: c.337A>G on transcript NM_001244008.2 (MANE Select); coding-DNA position 337, A replaced by G.
Protein change: p.Lys113Glu; replaces lysine 113 with glutamic acid.
Molecular consequence: missense variant.
Genome position (GRCh38, 1-based): chr2:240,788,077, T>C on the plus strand (A>G on the coding strand, the complement: KIF1A is on the minus strand). VCF-style: chr2-240788077-T-C. GRCh37 (hg19) VCF-style: chr2-241727494-T-C.
Other names: c.337A>G, p.Lys113Glu (NM_001320705.2, NM_001330289.2, NM_001330290.2 and 20 more transcripts); short protein forms K113E.
Identifiers: ClinVar variation 3753718 (VCV003753718.2).

ClinVar aggregate classification (germline): Uncertain significance (1 of 4 stars; one submission).

Conditions:
Neuropathy, hereditary sensory, type 2C. Also called: KIF1A-Related HSAN2 (HSAN2C); Hereditary sensory and autonomic neuropathy type IIC. Identifiers: Orphanet 970, MedGen C3280168, MONDO:0013634, OMIM 614213.
Hereditary spastic paraplegia 30. Identifiers: Orphanet 101010, MedGen C5235139, MONDO:0012476.
Intellectual disability, autosomal dominant 9 (NESCAVS). Also called: KIF1A-Related Neurodevelopmental Disorder; NESCAV SYNDROME. Identifiers: Orphanet 662367, MedGen C5393830, MONDO:0013656, OMIM 614255.

Submission:

Labcorp Genetics (formerly Invitae), Labcorp
Classification: Uncertain significance for Hereditary spastic paraplegia 30; Neuropathy, hereditary sensory, type 2C; Intellectual disability, autosomal dominant 9. Last evaluated: 2024-12-10. Review status: criteria provided, single submitter. Criteria: Invitae Variant Classification Sherloc (09022015). Collection method: clinical testing. Allele origin: germline.
Comment: This sequence change replaces lysine, which is basic and polar, with glutamic acid, which is acidic and polar, at codon 113 of the KIF1A protein (p.Lys113Glu). This variant is not present in population databases (gnomAD no frequency). This variant has not been reported in the literature in individuals affected with KIF1A-related conditions. Invitae Evidence Modeling of protein sequence and biophysical properties (such as structural, functional, and spatial information, amino acid conservation, physicochemical variation, residue mobility, and thermodynamic stability) indicates that this missense variant is expected to disrupt KIF1A protein function with a positive predictive value of 95%. In summary, the available evidence is currently insufficient to determine the role of this variant in disease. Therefore, it has been classified as a Variant of Uncertain Significance.